The following is an entry in ClinVar:

NM_004304.5(ALK):c.481G>T (p.Ala161Ser)

Gene: ALK (ALK receptor tyrosine kinase; minus strand). Cytogenetic location: 2p23.1.
Variant type: single nucleotide variant.
Coding change: c.481G>T on transcript NM_004304.5 (MANE Select); coding-DNA position 481, G replaced by T.
Protein change: p.Ala161Ser; replaces alanine 161 with serine.
Molecular consequence: missense variant.
Genome position (GRCh38, 1-based): chr2:29,920,179, C>A on the plus strand (G>T on the coding strand, the complement: ALK is on the minus strand). VCF-style: chr2-29920179-C-A. GRCh37 (hg19) VCF-style: chr2-30143045-C-A.
Other names: short protein forms A161S.
Identifiers: ClinVar variation 2120333 (VCV002120333.4), dbSNP rs2465865784, ClinGen allele CA346589961.
Genomic context (GRCh38, chr2:29,920,179, plus strand): 5'-CTTGGCGAATCCACCAACTGAACAGCTCGCTGAGATTGAACTGGAGCAGCCCCACAGCCG[C>A]CTCCCCGGGGGGCCCGACGCAACCCTCCAAGATCGCCTCCTCGCCCAGCTCCAGCACCAA-3'
Protein context (NP_004295.2, residues 151-171): LEGCVGPPGE[Ala161Ser]AVGLLQFNLS

ClinVar aggregate classification (germline): Uncertain significance (1 of 4 stars; one submission).

Conditions:
Neuroblastoma, susceptibility to, 3. Also called: ALK-Related Neuroblastic Tumor Susceptibility. Identifiers: Orphanet 635, MedGen C2751681, MONDO:0013083, OMIM 613014.

Submission:

Labcorp Genetics (formerly Invitae), Labcorp
Classification: Uncertain significance for Neuroblastoma, susceptibility to, 3. Last evaluated: 2022-09-23. Review status: criteria provided, single submitter. Criteria: Invitae Variant Classification Sherloc (09022015). Collection method: clinical testing. Allele origin: germline.
Comment: In summary, the available evidence is currently insufficient to determine the role of this variant in disease. Therefore, it has been classified as a Variant of Uncertain Significance. Algorithms developed to predict the effect of missense changes on protein structure and function (SIFT, PolyPhen-2, Align-GVGD) all suggest that this variant is likely to be tolerated. This variant has not been reported in the literature in individuals affected with ALK-related conditions. This variant is not present in population databases (gnomAD no frequency). This sequence change replaces alanine, which is neutral and non-polar, with serine, which is neutral and polar, at codon 161 of the ALK protein (p.Ala161Ser).